The following is an entry in ClinVar:

NM_015450.3(POT1):c.181_182delinsGAAACTATGAAGTTTCTTTAGTTTAAA (p.Leu61delinsGluThrMetLysPheLeuTer)

Gene: POT1 (protection of telomeres 1; minus strand). Cytogenetic location: 7q31.33.
Variant type: Indel.
Coding change: c.181_182delinsGAAACTATGAAGTTTCTTTAGTTTAAA on transcript NM_015450.3 (MANE Select); coding-DNA positions 181 to 182, CT replaced by GAAACTATGAAGTTTCTTTAGTTTAAA.
Protein change: p.Leu61delinsGluThrMetLysPheLeuTer.
Molecular consequence: nonsense. On other transcripts: non-coding transcript variant (3), intron variant (1).
Genome position (GRCh38, 1-based): chr7:124,870,984-124,870,985, AG replaced by TTTAAACTAAAGAAACTTCATAGTTTC on the plus strand (CT replaced by GAAACTATGAAGTTTCTTTAGTTTAAA on the coding strand, the reverse complement: POT1 is on the minus strand). VCF-style: chr7-124870984-AG-TTTAAACTAAAGAAACTTCATAGTTTC. GRCh37 (hg19) VCF-style: chr7-124511038-AG-TTTAAACTAAAGAAACTTCATAGTTTC.
Other names: c.-138-7345_-138-7344delinsGAAACTATGAAGTTTCTTTAGTTTAAA (NM_001042594.2).
Identifiers: ClinVar variation 820095 (VCV000820095.4), dbSNP rs1584777802, ClinGen allele CA915945507.

ClinVar aggregate classification (germline): Pathogenic (1 of 4 stars; one submission).

Conditions:
Hereditary cancer-predisposing syndrome. Also called: Neoplastic Syndromes, Hereditary; Tumor predisposition; Hereditary Cancer Syndrome; Hereditary neoplastic syndrome. Identifiers: Orphanet 140162, MedGen C0027672, MeSH D009386, MONDO:0015356.

Submission:

Ambry Genetics
Classification: Pathogenic for Hereditary cancer-predisposing syndrome. Last evaluated: 2019-12-19. Review status: criteria provided, single submitter. Criteria: Ambry Variant Classification Scheme 2023. Collection method: clinical testing. Allele origin: germline.
Comment: The c.181_182delCTins27 variant, located in coding exon 3 of the POT1 gene, results from the deletion of two nucleotides and insertion of 27 nucleotides causing a translational frameshift with a predicted alternate stop codon (p.L61Efs*7). This alteration is expected to result in loss of function by premature protein truncation or nonsense-mediated mRNA decay. As such, this alteration is interpreted as a disease-causing mutation.